The following is an entry in ClinVar:

ClinVar aggregate classification (germline): Uncertain significance. Review status: criteria provided, multiple submitters, no conflicts (2 of 4 stars). 3 submissions from 3 submitters: Uncertain significance (3). Last evaluated 2024-05-29.

Conditions:
Developmental delay with variable intellectual impairment and behavioral abnormalities. Identifiers: MedGen C5193092, MONDO:0032745, OMIM 618430.
TCF20-related disorder. Also called: TCF20-related condition.

Allele frequency attached by ClinVar (database versions not stated): gnomAD 0.00001.
gnomAD v4.1: 4 of 1,614,052 alleles (0.00025%); highest among the groups gnomAD compares: African/African-American, 0.004%; no homozygotes.

Submissions (3):

Labcorp Genetics (formerly Invitae), Labcorp
Classification: Uncertain significance. Last evaluated: 2024-05-29. Review status: criteria provided, single submitter. Criteria: Invitae Variant Classification Sherloc (09022015). Collection method: clinical testing. Allele origin: germline.
Comment: This sequence change replaces proline, which is neutral and non-polar, with threonine, which is neutral and polar, at codon 632 of the TCF20 protein (p.Pro632Thr). This variant is not present in population databases (gnomAD no frequency). This variant has not been reported in the literature in individuals affected with TCF20-related conditions. ClinVar contains an entry for this variant (Variation ID: 1213736). An algorithm developed to predict the effect of missense changes on protein structure and function (PolyPhen-2) suggests that this variant is likely to be tolerated. In summary, the available evidence is currently insufficient to determine the role of this variant in disease. Therefore, it has been classified as a Variant of Uncertain Significance.

PreventionGenetics, part of Exact Sciences
Classification: Uncertain significance for TCF20-related condition. Last evaluated: 2022-10-06. Review status: criteria provided, single submitter. Criteria: ACMG Guidelines, 2015. Collection method: clinical testing. Allele origin: germline.
Comment: The TCF20 c.1894C>A variant is predicted to result in the amino acid substitution p.Pro632Thr. To our knowledge, this variant has not been reported in the literature or in a large population database, indicating this variant is rare. This variant has been reported in ClinVar as a variant of uncertain significance in a patient with autistic features. At this time, the clinical significance of this variant is uncertain due to the absence of conclusive functional and genetic evidence.

New York Genome Center
Classification: Uncertain significance for Developmental delay with variable intellectual impairment and behavioral abnormalities. Last evaluated: 2020-11-04. Review status: criteria provided, single submitter. Criteria: NYGC Assertion Criteria 2020. Collection method: clinical testing. Allele origin: inherited. Observed: 1 heterozygote. Study: CSER-NYCKidSeq.

NM_001378418.1(TCF20):c.1894C>A (p.Pro632Thr)

Gene: TCF20 (transcription factor 20; minus strand). Cytogenetic location: 22q13.2.
Variant type: single nucleotide variant.
Coding change: c.1894C>A on transcript NM_001378418.1 (MANE Select); coding-DNA position 1894, C replaced by A.
Protein change: p.Pro632Thr; replaces proline 632 with threonine.
Molecular consequence: missense variant.
Genome position (GRCh38, 1-based): chr22:42,213,412, G>T on the plus strand (C>A on the coding strand, the complement: TCF20 is on the minus strand). VCF-style: chr22-42213412-G-T. GRCh37 (hg19) VCF-style: chr22-42609418-G-T.
Other names: c.1894C>A, p.Pro632Thr (NM_005650.4, NM_181492.3); short protein forms P632T.
Identifiers: ClinVar variation 1213736 (VCV001213736.5), dbSNP rs1378093754, ClinGen allele CA411789851.
Genomic context (GRCh38, chr22:42,213,412, plus strand): 5'-GTGATGCATGACTGGTTTCCTTTGCCCCACCATTGCTAGGTGGCCTTTGAGTGGCTGCAG[G>T]ATCATCCTCTTGGGAGCCTTTATCTTGTCCACCAGGCTTTTCTACCCGACCTGTCATGGC-3'
Protein context (NP_001365347.1, residues 622-642): GQDKGSQEDD[Pro632Thr]AATQRPPSNG